The following is an entry in ClinVar:

NM_001184880.2(PCDH19):c.1372dup (p.Tyr458fs)

Gene: PCDH19 (protocadherin 19; minus strand). Cytogenetic location: Xq22.1.
Variant type: Duplication.
Coding change: c.1372dup on transcript NM_001184880.2 (MANE Select); coding-DNA position 1372, one base duplicated (T; older notation c.1372dupT).
Protein change: p.Tyr458fs; shifts the reading frame from tyrosine 458.
Molecular consequence: frameshift variant.
Genome position (GRCh38, 1-based): chrX:100,407,226, A duplicated on the plus strand (T on the coding strand, the reverse complement: PCDH19 is on the minus strand). VCF-style (leftmost placement, unchanged base first): chrX-100407225-T-TA. GRCh37 (hg19) VCF-style: chrX-99662223-T-TA.
Other names: c.1372dup, p.Tyr458fs (NM_001105243.2, NM_020766.3); short protein forms Y458fs.
Identifiers: ClinVar variation 1392830 (VCV001392830.6), dbSNP rs2147538939, ClinGen allele CA2573159040.

ClinVar aggregate classification (germline): Pathogenic (1 of 4 stars; one submission).

Conditions:
Developmental and epileptic encephalopathy, 9 (DEE9). Also called: EPILEPSY, FEMALE-RESTRICTED, WITH MENTAL RETARDATION; PCDH19-Related X-Linked Female-Limited Epilepsy with Mental Retardation; Early infantile epileptic encephalopathy 9; JUBERG-HELLMAN SYNDROME. Identifiers: Orphanet 101039, Orphanet 2076, MedGen C1848137, MONDO:0010246, OMIM 300088. Disease mechanism: loss of function.

Submission:

Labcorp Genetics (formerly Invitae), Labcorp
Classification: Pathogenic for Developmental and epileptic encephalopathy, 9. Last evaluated: 2021-11-17. Review status: criteria provided, single submitter. Criteria: Invitae Variant Classification Sherloc (09022015). Collection method: clinical testing. Allele origin: germline.
Comment: This sequence change creates a premature translational stop signal (p.Tyr458Leufs*65) in the PCDH19 gene. It is expected to result in an absent or disrupted protein product. Loss-of-function variants in PCDH19 are known to be pathogenic (PMID: 21053371). This variant is not present in population databases (gnomAD no frequency). For these reasons, this variant has been classified as Pathogenic. This variant has not been reported in the literature in individuals affected with PCDH19-related conditions.

Literature cited by the submitters: PubMed 21053371.